The following is an entry in ClinVar:

ClinVar aggregate classification (germline): Uncertain significance. Review status: criteria provided, multiple submitters, no conflicts (2 of 4 stars). 2 submissions from 2 submitters: Uncertain significance (2). Last evaluated 2026-08-01.

Conditions:
Inborn genetic diseases. Identifiers: MedGen C0950123, MeSH D030342.

Allele frequency attached by ClinVar (database versions not stated): ExAC 0.00001; gnomAD exomes 0.00003; gnomAD 0.00004; TOPMed 0.00004; ESP Exome Variant Server 0.00031.
gnomAD v4.1: 50 of 1,613,952 alleles (0.0031%); highest among the groups gnomAD compares: East Asian, 0.0089%; no homozygotes.

Submissions (2):

CeGaT Center for Human Genetics Tuebingen
Classification: Uncertain significance. Last evaluated: 2026-08-01. Review status: criteria provided, single submitter. Criteria: CeGaT Center For Human Genetics Tuebingen Variant Classification Criteria Version 2. Collection method: clinical testing. Allele origin: germline. Affected: yes. Observed: 1 variant allele.
Comment: RNF216: PM2, BP4

Ambry Genetics
Classification: Uncertain significance for Inborn genetic diseases. Last evaluated: 2023-02-28. Review status: criteria provided, single submitter. Criteria: Ambry Variant Classification Scheme 2023. Collection method: clinical testing. Allele origin: germline.

NM_207111.4(RNF216):c.817G>A (p.Ala273Thr)

Gene: RNF216 (ring finger protein 216; minus strand). Cytogenetic location: 7p22.1.
Variant type: single nucleotide variant.
Coding change: c.817G>A on transcript NM_207111.4 (MANE Select); coding-DNA position 817, G replaced by A.
Protein change: p.Ala273Thr; replaces alanine 273 with threonine.
Molecular consequence: missense variant.
Genome position (GRCh38, 1-based): chr7:5,741,200, C>T on the plus strand (G>A on the coding strand, the complement: RNF216 is on the minus strand). VCF-style: chr7-5741200-C-T. GRCh37 (hg19) VCF-style: chr7-5780831-C-T.
Other names: c.646G>A, p.Ala216Thr (NM_001377156.1, NM_207116.3); short protein forms A273T, A216T.
Identifiers: ClinVar variation 2470801 (VCV002470801.3), dbSNP rs147881383, ClinGen allele CA4148444.